The following is an entry in ClinVar:

NM_000143.4(FH):c.947C>T (p.Ala316Val)

Gene: FH (fumarate hydratase; minus strand). Cytogenetic location: 1q43.
Variant type: single nucleotide variant.
Coding change: c.947C>T on transcript NM_000143.4 (MANE Select); coding-DNA position 947, C replaced by T.
Protein change: p.Ala316Val; replaces alanine 316 with valine.
Molecular consequence: missense variant.
Genome position (GRCh38, 1-based): chr1:241,504,203, G>A on the plus strand (C>T on the coding strand, the complement: FH is on the minus strand). VCF-style: chr1-241504203-G-A. GRCh37 (hg19) VCF-style: chr1-241667503-G-A.
Other names: short protein forms A316V.
Identifiers: ClinVar variation 2708268 (VCV002708268.3), dbSNP rs863224002, ClinGen allele CA345438353.

ClinVar aggregate classification (germline): Likely pathogenic (1 of 4 stars; one submission).

Submission:

Labcorp Genetics (formerly Invitae), Labcorp
Classification: Likely pathogenic. Last evaluated: 2024-01-08. Review status: criteria provided, single submitter. Criteria: Invitae Variant Classification Sherloc (09022015). Collection method: clinical testing. Allele origin: germline.
Comment: This sequence change replaces alanine, which is neutral and non-polar, with valine, which is neutral and non-polar, at codon 316 of the FH protein (p.Ala316Val). This variant is not present in population databases (gnomAD no frequency). This variant has not been reported in the literature in individuals affected with FH-related conditions. Advanced modeling of protein sequence and biophysical properties (such as structural, functional, and spatial information, amino acid conservation, physicochemical variation, residue mobility, and thermodynamic stability) performed at Invitae indicates that this missense variant is expected to disrupt FH protein function with a positive predictive value of 95%. This variant disrupts the p.Ala316 amino acid residue in FH. Other variant(s) that disrupt this residue have been determined to be pathogenic (PMID: 28300276; Invitae). This suggests that this residue is clinically significant, and that variants that disrupt this residue are likely to be disease-causing. In summary, the currently available evidence indicates that the variant is pathogenic, but additional data are needed to prove that conclusively. Therefore, this variant has been classified as Likely Pathogenic.

Literature cited by the submitters: PubMed 28300276.